The following is an entry in ClinVar:

ClinVar aggregate classification (germline): Conflicting classifications of pathogenicity. Review status: criteria provided, conflicting classifications (1 of 4 stars). 12 submissions from 12 submitters: Uncertain significance (5); Benign (1); Likely benign (5). 1 of the submissions does not count toward it. Last evaluated 2026-09-21.

Conditions:
Long QT syndrome (LQTS). Identifiers: MedGen C0023976, MeSH D008133, MONDO:0002442. Disease mechanism: loss of function. Inheritance: Various modes of inheritance.
Hypertrophic cardiomyopathy. Also called: HYPERTROPHIC MYOCARDIOPATHY. Identifiers: Orphanet 217569, MedGen C0007194, MeSH D002312, MONDO:0005045, HP:0001639.
Cardiovascular phenotype. Identifiers: MedGen CN230736.
Familial long QT syndrome (RWS). Also called: Congenital long QT syndrome; Romano-Ward syndrome; VENTRICULAR FIBRILLATION WITH PROLONGED QT INTERVAL. Identifiers: Orphanet 768, MedGen C1141890, MONDO:0019171.
Long QT syndrome 6 (LQT6). Identifiers: Orphanet 101016, Orphanet 768, MedGen C3150953, MONDO:0013370, OMIM 613693.

Allele frequency attached by ClinVar (database versions not stated): TOPMed 0.00028; ExAC 0.00018; gnomAD exomes 0.00022 and 0.00025; gnomAD 0.00025.
gnomAD v4.1: 369 of 1,614,002 alleles (0.023%); highest among the groups gnomAD compares: Non-Finnish European, 0.017%; no homozygotes.

Submissions 1 to 10 of 12:

Molecular Diagnostic Laboratory for Inherited Cardiovascular Disease, Montreal Heart Institute
Classification: Uncertain significance for Cardiovascular phenotype. Last evaluated: 2026-09-21. Review status: criteria provided, single submitter. Criteria: ACMG Guidelines, 2015. Collection method: clinical testing. Allele origin: germline. Affected: yes.
Comment: PS3_supp

Labcorp Genetics (formerly Invitae), Labcorp
Classification: Likely benign for Long QT syndrome 6. Last evaluated: 2025-11-22. Review status: criteria provided, single submitter. Criteria: Invitae Variant Classification Sherloc (09022015). Collection method: clinical testing. Allele origin: germline.

Mayo Clinic Laboratories, Mayo Clinic
Classification: Uncertain significance. Last evaluated: 2025-07-11. Review status: criteria provided, single submitter. Criteria: ACMG Guidelines, 2015. Collection method: clinical testing. Allele origin: germline. Observed: 1 variant allele.
Comment: PS3_supporting

Blueprint Genetics
Classification: Likely benign. Last evaluated: 2024-11-21. Review status: criteria provided, single submitter. Criteria: ACMG Guidelines, 2015. Collection method: clinical testing. Allele origin: germline.

GeneDx
Classification: Likely benign. Last evaluated: 2023-05-30. Review status: criteria provided, single submitter. Criteria: GeneDx Variant Classification Process June 2021. Collection method: clinical testing. Allele origin: germline. Affected: yes.
Comment: See Variant Classification Assertion Criteria.

Victorian Clinical Genetics Services, Murdoch Childrens Research Institute
Classification: Uncertain significance for Long QT syndrome 6. Last evaluated: 2021-05-06. Review status: criteria provided, single submitter. Criteria: ACMG Guidelines, 2015. Collection method: clinical testing. Allele origin: germline. Inheritance: Autosomal dominant inheritance. Affected: yes.
Comment: Based on the classification scheme VCGS_Germline_v1.3.4, this variant is classified as VUS-3C. Following criteria are met: 0103 - Loss of function and gain of function are proposed mechanisms of disease in this gene and are associated with long QT syndrome 6 (MIM#613693) and familial atrial fibrillation (MIM#611493), respectively. However, this should be interpreted with caution as the gene-disease association for KCNE2 is currently unclear (PMIDs: 22166675, 26123744, 24796621, 28794082, 15368194). (I) 0107 - This gene is associated with autosomal dominant disease. (I) 0200 - Variant is predicted to result in a missense amino acid change from threonine to methionine. (I) 0251 - This variant is heterozygous. (I) 0310 - Variant is present in gnomAD >=0.001 and <0.01 for a dominant condition (v2) (66 heterozygotes, 0 homozygotes) with a subpopulation frequency of 0.003 in the Ashkenazi Jewish population. (I) 0504 - Same amino acid change has been observed in placental mammals. (SB) 0604 - Variant is not located in an established domain, motif, hotspot or informative constraint region. (I) 0704 - Another missense variant comparable to the one identified in this case has limited previous evidence for pathogenicity. The p.T10K variant has previously been reported in a patient with atrial fibrillation (PMID: 29805884). (SP) 0808 - Previous reports of pathogenicity for this variant are conflicting. Although this variant has been identified in individuals with long QT syndrome and sudden unexplained death, it has more recently been re-classified as either a variant of uncertain significance or a likely benign variant (PMIDs: 18006462, 22677073, 28600387, 28794082, 32268277; ClinVar). (I) 1010 - Functional evidence for this variant is inconclusive. Patch clamp analysis in CHO cells demonstrated mild changes in the Ikr ventricular repolarization current when expressed in heterozygous state however the reliablity of this assay is questionable. Moreover, the use of CHO cells might not reflect the correct environment for testing a cardiac-related response (PMID: 18006462). (I) 1208 - Inheritance information for this variant is not currently available in this individual. (I) Legend: (SP) - Supporting pathogenic, (I) - Information, (SB) - Supporting benign

Ambry Genetics
Classification: Likely benign for Cardiovascular phenotype. Last evaluated: 2020-06-22. Review status: criteria provided, single submitter. Criteria: Ambry Variant Classification Scheme 2023. Collection method: clinical testing. Allele origin: germline.

Women's Health and Genetics/Laboratory Corporation of America, LabCorp
Classification: Likely benign. Last evaluated: 2019-11-05. Review status: criteria provided, single submitter. Criteria: LabCorp Variant Classification Summary - May 2015. Collection method: clinical testing. Allele origin: germline.
Comment: Variant summary: KCNE2 c.29C>T (p.Thr10Met) results in a non-conservative amino acid change in the encoded protein sequence. Four of five in-silico tools predict a damaging effect of the variant on protein function. The variant allele was found at a frequency of 0.00025 in 251330 control chromosomes (gnomAD). The observed variant frequency is approximately 4-fold of the estimated maximal expected allele frequency for a pathogenic variant in KCNE2 causing Arrhythmia phenotype (7e-05), strongly suggesting that the variant is benign. c.29C>T has been reported in the literature in individuals affected with long QT syndrome and Brugada syndrome and also, in individuals with sudden unexplained deaths (e.g. Burashnikov_2010, Burns_2016, Christiansen_2016, Lieve_2013, Mellor_2017, Tester_2012). These reports do not provide unequivocal conclusions about association of the variant with Arrhythmia. In at least two studies presenting patients affected with long QT syndrome (Roberts_2017) and a patient affected with auditory stimulus-induced long QT syndrome (Gordon_2008), the variant was detected in affected probands but it was also detected in their asymptomatic family members and therefore, appeared to not segregate with disease. Furthermore, Gordon et al (2008) carried out functional assessment of the variant through usage of whole-cell voltage clamp of transfected Chinese Hamster ovary cells and showed baseline IKr current reduction and slower recovery from inactivation for T10M-MiRP1-hERG channels when compared with wild-type channels, however only mild changes in IKr when KCNE2-Thr10Met was co-expressed with wild-type KCNH2. At least two co-occurrences with other pathogenic variants have been reported (PKP2 c.397C>T, p.Q133* (internal testing) and KCNQ1 c.1781G>A, p.Arg594Gln (Roberts_2017)), providing supporting evidence for a benign outcome for this variant. Four ClinVar submitters (evaluation after 2014) cite the variant as uncertain significance (n=2) and as likely benign (n=2). Based on the evidence outlined above, the variant was classified as likely benign.

Laboratory for Molecular Medicine, Mass General Brigham Personalized Medicine
Classification: Uncertain significance. Last evaluated: 2019-04-05. Review status: criteria provided, single submitter. Criteria: ACMG Guidelines, 2015. Collection method: clinical testing. Allele origin: germline.
Comment: Functional studies have shown that the Thr10Met variant moderately impacts protein function (Gordon 2008); however, this in vitro assay may not accurately represent biological function. Whether KCNE2 variants alone cause Long QT syndrome or only confer increased risk when combined with other risk alleles is currently unclear. In summary, there is insufficient evidence for pathogenicity of this variant, and additional studies are needed to fully assess its clinical significance.

Agnes Ginges Centre for Molecular Cardiology, Centenary Institute
Classification: Benign for hypertrophic cardiomyopathy; long QT syndrome. Last evaluated: 2018-11-21. Review status: criteria provided, single submitter. Criteria: ACMG Guidelines, 2015. Collection method: research. Allele origin: germline. Inheritance: Autosomal dominant inheritance. Affected: yes.
Comment: The KCNE2 Thr10Met variant has been previously reported in probands with Long QT syndrome (Tester DJ, et al., 2005; Gordon E, et al., 2008; Lieve KV, et al., 2013). We have identified this variant in 2 probands. The variant has been identified 63 times in the Genome Aggregation Database (MAF=0.0002) and the Ashkenazi Jewish sub-population frequency is 0.0037, which is far higher than expected based on the prevalence of LQTS. In silico tools SIFT and PolyPhen2 predict this variant to be deleterious, but MutationTaster predicts it to be a 'polymorphism'. In summary based on the high allele frequency in the general population we classify KCNE2 Thr10Met as 'benign'.

NM_172201.2(KCNE2):c.29C>T (p.Thr10Met)

Genes: KCNE2 (potassium voltage-gated channel subfamily E regulatory subunit 2; plus strand), LOC105372791 (uncharacterized LOC105372791; minus strand). Cytogenetic location: 21q22.11.
Variant type: single nucleotide variant.
Coding change: c.29C>T on transcript NM_172201.2 (MANE Select); coding-DNA position 29, C replaced by T.
Protein change: p.Thr10Met; replaces threonine 10 with methionine.
Molecular consequence: missense variant.
Genome position (GRCh38, 1-based): chr21:34,370,507, C>T. VCF-style: chr21-34370507-C-T. GRCh37 (hg19) VCF-style: chr21-35742806-C-T.
Other names: p.T10M:ACG>ATG; c.29C>T (LRG_291t1); short protein forms T10M.
Identifiers: ClinVar variation 67619 (VCV000067619.27), dbSNP rs199473648, ClinGen allele CA199792.
Genomic context (GRCh38, chr21:34,370,507, plus strand): 5'-TTTTATTATTTAAATTGCAGCAGGAGGGAAGCATGTCTACTTTATCCAATTTCACACAGA[C>T]GCTGGAAGACGTCTTCCGAAGGATTTTTATTACTTATATGGACAATTGGCGCCAGAACAC-3'
Protein context (NP_751951.1, residues 1-20): MSTLSNFTQ[Thr10Met]LEDVFRRIFI